The following is an entry in ClinVar:

NM_030912.3(TRIM8):c.335C>G (p.Ala112Gly)

Gene: TRIM8 (tripartite motif containing 8; plus strand). Cytogenetic location: 10q24.32.
Variant type: single nucleotide variant.
Coding change: c.335C>G on transcript NM_030912.3 (MANE Select); coding-DNA position 335, C replaced by G.
Protein change: p.Ala112Gly; replaces alanine 112 with glycine.
Molecular consequence: missense variant. On other transcripts: non-coding transcript variant (1).
Genome position (GRCh38, 1-based): chr10:102,644,952, C>G. VCF-style: chr10-102644952-C-G. GRCh37 (hg19) VCF-style: chr10-104404709-C-G.
Other names: c.335C>G, p.Ala112Gly (NM_001345950.1); short protein forms A112G.
Identifiers: ClinVar variation 2012513 (VCV002012513.4), dbSNP rs555187554, ClinGen allele CA377924965.

ClinVar aggregate classification (germline): Uncertain significance (1 of 4 stars; one submission).

Submission:

Labcorp Genetics (formerly Invitae), Labcorp
Classification: Uncertain significance. Last evaluated: 2022-10-13. Review status: criteria provided, single submitter. Criteria: Invitae Variant Classification Sherloc (09022015). Collection method: clinical testing. Allele origin: germline.
Comment: This sequence change replaces alanine, which is neutral and non-polar, with glycine, which is neutral and non-polar, at codon 112 of the TRIM8 protein (p.Ala112Gly). This variant is not present in population databases (gnomAD no frequency). This variant has not been reported in the literature in individuals affected with TRIM8-related conditions. Algorithms developed to predict the effect of missense changes on protein structure and function (SIFT, PolyPhen-2, Align-GVGD) all suggest that this variant is likely to be disruptive. In summary, the available evidence is currently insufficient to determine the role of this variant in disease. Therefore, it has been classified as a Variant of Uncertain Significance.